The following is an entry in ClinVar:

NM_001174089.2(SLC4A11):c.2185_2192dup (p.Ile732fs)

Gene: SLC4A11 (solute carrier family 4 member 11; minus strand). Cytogenetic location: 20p13.
Variant type: Duplication.
Coding change: c.2185_2192dup on transcript NM_001174089.2 (MANE Select); coding-DNA positions 2185 to 2192, 8 bases duplicated (TATGACAC; older notation c.2185_2192dupTATGACAC).
Protein change: p.Ile732fs; shifts the reading frame from isoleucine 732.
Molecular consequence: frameshift variant. On other transcripts: non-coding transcript variant (1).
Genome position (GRCh38, 1-based): chr20:3,228,838-3,228,845, GTGTCATA duplicated on the plus strand (TATGACAC on the coding strand, the reverse complement: SLC4A11 is on the minus strand); duplicating any 8 consecutive bases within chr20:3,228,838-3,228,846 gives the same sequence; the c. name uses the placement nearest the transcript's 3' end. VCF-style (leftmost placement, unchanged base first): chr20-3228837-C-CGTGTCATA. GRCh37 (hg19) VCF-style: chr20-3209483-C-CGTGTCATA.
Other names: c.2233_2240dup (NM_032034.3); c.2233_2240dupTATGACAC (NM_032034.3); c.2314_2321dup, p.Ile775fs (NM_001174090.2); c.2071_2078dup, p.Ile694fs (NM_001363745.2); c.2233_2240dup, p.Ile748fs (NM_032034.4); short protein forms I694fs, I732fs, I775fs, I748fs.
Identifiers: ClinVar variation 1356826 (VCV001356826.9), dbSNP rs764217666, ClinGen allele CA9741562.

ClinVar aggregate classification (germline): Pathogenic. Review status: criteria provided, multiple submitters, no conflicts (2 of 4 stars). 4 submissions from 4 submitters: Pathogenic (3). 1 of the submissions does not count toward it. Last evaluated 2025-04-23.

Conditions:
Corneal dystrophy-perceptive deafness syndrome (CDPD). Also called: CORNEAL DYSTROPHY AND SENSORINEURAL DEAFNESS; HARBOYAN SYNDROME. Identifiers: Orphanet 1490, MedGen C1857572, MONDO:0009015, OMIM 217400.
Corneal dystrophy, Fuchs endothelial, 4 (FECD4). Identifiers: Orphanet 98974, MedGen C2750450, MONDO:0013204, OMIM 613268.
Congenital hereditary endothelial dystrophy of cornea. Also called: Corneal endothelial dystrophy, autosomal recessive; Congenital hereditary endothelial dystrophy type II; Congenital hereditary endothelial dystrophy of the cornea; Maumenee corneal dystrophy; CORNEAL DYSTROPHY, CONGENITAL HEREDITARY ENDOTHELIAL. Identifiers: Orphanet 293603, MedGen C1857569, MONDO:0009019, OMIM 217700.

Submissions (4):

Natera, Inc.
Classification: Pathogenic for Corneal dystrophy-perceptive deafness syndrome. Last evaluated: 2025-04-23. Review status: criteria provided, single submitter. Criteria: Natera Variant Classification Schema (03/2026). Collection method: clinical testing. Allele origin: germline.
Comment: The c.2233_2240dupTATGACAC variant in SLC4A11 is a frameshift variant predicted to shift the reading frame beginning at codon 748 and leads to a stop codon 5 codons downstream. This variant is expected to result in nonsense mediated decay, truncation, or a dysfunctional protein product. This variant is rare in the general population with a frequency below the threshold expected for the associated phenotype(s). This variant has been observed in one or more individuals affected with the associated recessive disease, as either homozygous or compound heterozygous with a second variant (PMID: 30856043). Additionally, this variant has been observed to segregate in affected family members (PMID: 30856043). Given the available evidence, this variant is classified as Pathogenic.

Fulgent Genetics
Classification: Pathogenic for Corneal dystrophy-perceptive deafness syndrome; Congenital hereditary endothelial dystrophy of cornea; Corneal dystrophy, Fuchs endothelial, 4. Last evaluated: 2024-05-14. Review status: criteria provided, single submitter. Criteria: ACMG Guidelines, 2015. Collection method: clinical testing. Allele origin: germline.

Labcorp Genetics (formerly Invitae), Labcorp
Classification: Pathogenic. Last evaluated: 2022-08-20. Review status: criteria provided, single submitter. Criteria: Invitae Variant Classification Sherloc (09022015). Collection method: clinical testing. Allele origin: germline.
Comment: ClinVar contains an entry for this variant (Variation ID: 1356826). Algorithms developed to predict the effect of sequence changes on RNA splicing suggest that this variant may disrupt the consensus splice site. For these reasons, this variant has been classified as Pathogenic. This premature translational stop signal has been observed in individual(s) with a SLC4A11-related disease (PMID: 17220209). This sequence change creates a premature translational stop signal (Splice site) in the SLC4A11 gene. It is expected to result in an absent or disrupted protein product. Loss-of-function variants in SLC4A11 are known to be pathogenic (PMID: 17220209, 17679935). This variant is present in population databases (rs764217666, gnomAD 0.006%).

OMIM
Classification: Pathogenic for CORNEAL DYSTROPHY AND PERCEPTIVE DEAFNESS. Last evaluated: 2007-05-01. Review status: no assertion criteria provided. Collection method: literature only. Allele origin: germline. Not counted in ClinVar's aggregate classification.

Literature cited by the submitters: PubMed 30856043 (cited by Natera, Inc.); PubMed 17220209 (cited by Labcorp Genetics (formerly Invitae), Labcorp and OMIM); PubMed 17679935 (cited by Labcorp Genetics (formerly Invitae), Labcorp).